The following is an entry in ClinVar:

ClinVar aggregate classification (germline): Uncertain significance (1 of 4 stars; one submission).

Conditions:
Long QT syndrome (LQTS). Identifiers: MedGen C0023976, MeSH D008133, MONDO:0002442. Disease mechanism: loss of function. Inheritance: Various modes of inheritance.

Submission:

Labcorp Genetics (formerly Invitae), Labcorp
Classification: Uncertain significance for Long QT syndrome. Last evaluated: 2023-10-22. Review status: criteria provided, single submitter. Criteria: Invitae Variant Classification Sherloc (09022015). Collection method: clinical testing. Allele origin: germline.
Comment: This sequence change replaces alanine, which is neutral and non-polar, with valine, which is neutral and non-polar, at codon 520 of the CACNA1C protein (p.Ala520Val). This variant is not present in population databases (gnomAD no frequency). This variant has not been reported in the literature in individuals affected with CACNA1C-related conditions. Advanced modeling of protein sequence and biophysical properties (such as structural, functional, and spatial information, amino acid conservation, physicochemical variation, residue mobility, and thermodynamic stability) performed at Invitae indicates that this missense variant is not expected to disrupt CACNA1C protein function with a negative predictive value of 80%. In summary, the available evidence is currently insufficient to determine the role of this variant in disease. Therefore, it has been classified as a Variant of Uncertain Significance.

NM_000719.7(CACNA1C):c.1559C>T (p.Ala520Val)

Gene: CACNA1C (calcium voltage-gated channel subunit alpha1 C; plus strand). Cytogenetic location: 12p13.33.
Variant type: single nucleotide variant.
Coding change: c.1559C>T on transcript NM_000719.7 (MANE Select); coding-DNA position 1559, C replaced by T.
Protein change: p.Ala520Val; replaces alanine 520 with valine.
Molecular consequence: missense variant.
Genome position (GRCh38, 1-based): chr12:2,566,472, C>T. VCF-style: chr12-2566472-C-T. GRCh37 (hg19) VCF-style: chr12-2675638-C-T.
Other names: c.1559C>T, p.Ala520Val (NM_199460.4, NM_001129827.2, NM_001129829.2 and 18 more transcripts); c.1550C>T, p.Ala517Val (NM_001129844.2); short protein forms A520V, A517V.
Identifiers: ClinVar variation 2770472 (VCV002770472.3), dbSNP rs2512762259, ClinGen allele CA383368489.